The following is an entry in ClinVar:

ClinVar aggregate classification (germline): Benign/Likely benign. Review status: criteria provided, multiple submitters, no conflicts (2 of 4 stars). 2 submissions from 2 submitters: Benign (1); Likely benign (1). Last evaluated 2026-05-28.

gnomAD v4.1: 395 of 1,613,902 alleles (0.024%); highest among the groups gnomAD compares: African/African-American, 0.49%; no homozygotes.

Submissions (2):

Women's Health and Genetics/Laboratory Corporation of America, LabCorp
Classification: Benign. Last evaluated: 2026-05-28. Review status: criteria provided, single submitter. Criteria: LabCorp Variant Classification Summary - May 2015. Collection method: clinical testing. Allele origin: germline.
Comment: Variant summary: VPS33B c.*16G>C is located in the untranslated mRNA region downstream of the termination codon. The variant allele was found at a frequency of 0.00031 in 250914 control chromosomes, predominantly at a frequency of 0.0043 within the African or African-American subpopulation in the gnomAD database. The observed variant frequency within African or African-American control individuals in the gnomAD database exceeds the estimated maximal expected allele frequency for disease-causing variants in VPS33B. To our knowledge, no occurrence of c.*16G>C in individuals affected with VPS33B-related conditions and no experimental evidence demonstrating its impact on protein function have been reported. ClinVar contains an entry for this variant (Variation ID: 4684030). Based on the evidence outlined above, the variant was classified as benign.

Mayo Clinic Laboratories, Mayo Clinic
Classification: Likely benign. Last evaluated: 2024-12-23. Review status: criteria provided, single submitter. Criteria: ACMG Guidelines, 2015. Collection method: clinical testing. Allele origin: germline. Observed: 2 variant alleles.
Comment: BS1, BP4, BP7

NM_018668.5(VPS33B):c.*16G>C

Gene: VPS33B (VPS33B late endosome and lysosome associated; minus strand). Cytogenetic location: 15q26.1.
Variant type: single nucleotide variant.
Coding change: c.*16G>C on transcript NM_018668.5 (MANE Select); 16 bases downstream of the stop codon, G replaced by C.
Molecular consequence: 3 prime UTR variant.
Genome position (GRCh38, 1-based): chr15:90,998,959, C>G on the plus strand (G>C on the coding strand, the complement: VPS33B is on the minus strand). VCF-style: chr15-90998959-C-G. GRCh37 (hg19) VCF-style: chr15-91542189-C-G.
Other names: c.*16G>C (NM_001289148.1, NM_001289149.1).
Identifiers: ClinVar variation 4684030 (VCV004684030.2).